The following is an entry in ClinVar:

NM_004628.5(XPC):c.940del (p.Arg314fs)

Gene: XPC (XPC complex subunit, DNA damage recognition and repair factor; minus strand). Cytogenetic location: 3p25.1.
Variant type: Deletion.
Coding change: c.940del on transcript NM_004628.5 (MANE Select); coding-DNA position 940, one base deleted (C; older notation c.940delC).
Protein change: p.Arg314fs; shifts the reading frame from arginine 314.
Molecular consequence: frameshift variant. On other transcripts: non-coding transcript variant (2).
Genome position (GRCh38, 1-based): chr3:14,159,791, G deleted on the plus strand (C on the coding strand, the reverse complement: XPC is on the minus strand); the first of 3 consecutive G bases (chr3:14,159,791-14,159,793); deleting any one gives the same sequence. VCF-style (leftmost placement, unchanged base first): chr3-14159790-CG-C. GRCh37 (hg19) VCF-style: chr3-14201290-CG-C.
Other names: c.361del, p.Arg121fs (NM_001354726.2); c.940del, p.Arg314fs (NM_001354727.2, NM_001354730.2); c.922del, p.Arg308fs (NM_001354729.2); c.940delC (NM_004628.5); short protein forms R121fs, R308fs, R314fs.
Identifiers: ClinVar variation 3588617 (VCV003588617.2).

ClinVar aggregate classification (germline): Pathogenic. Review status: criteria provided, multiple submitters, no conflicts (2 of 4 stars). 2 submissions from 2 submitters: Pathogenic (2). Last evaluated 2025-02-24.

Conditions:
Xeroderma pigmentosum (XP). Identifiers: Orphanet 910, MedGen C0043346, MONDO:0019600.
Xeroderma pigmentosum, group C (XPC). Also called: XERODERMA PIGMENTOSUM III; XP, GROUP C; Xeroderma pigmentosum, complementation group C; XPC-Related Xeroderma Pigmentosum. Identifiers: Orphanet 910, MedGen C2752147, MONDO:0010211, OMIM 278720.

Submissions (2):

Women's Health and Genetics/Laboratory Corporation of America, LabCorp
Classification: Pathogenic for Xeroderma pigmentosum. Last evaluated: 2025-02-24. Review status: criteria provided, single submitter. Criteria: LabCorp Variant Classification Summary - May 2015. Collection method: clinical testing. Allele origin: germline.
Comment: Variant summary: XPC c.940delC (p.Arg314GlyfsX11) results in a premature termination codon, predicted to cause a truncation of the encoded protein or absence of the protein due to nonsense mediated decay, which are commonly known mechanisms for disease. The variant was absent in 173256 control chromosomes. c.940delC has been reported in the literature in individuals affected with Xeroderma Pigmentosum (example: Cleaver_2007). These data indicate that the variant may be associated with disease. To our knowledge, no experimental evidence demonstrating an impact on protein function has been reported. The following publication has been ascertained in the context of this evaluation (PMID: 16990803). ClinVar contains an entry for this variant (Variation ID: 3588617). Based on the evidence outlined above, the variant was classified as pathogenic.

Fulgent Genetics
Classification: Pathogenic for Xeroderma pigmentosum, group C. Last evaluated: 2024-04-06. Review status: criteria provided, single submitter. Criteria: ACMG Guidelines, 2015. Collection method: clinical testing. Allele origin: germline.

Literature cited by the submitters: PubMed 16990803 (cited by Women's Health and Genetics/Laboratory Corporation of America, LabCorp).